The following is an entry in ClinVar:

ClinVar aggregate classification (germline): Uncertain significance (1 of 4 stars; one submission).

Allele frequency attached by ClinVar (database versions not stated): TOPMed 0.00001.

Submission:

GeneDx
Classification: Uncertain significance. Last evaluated: 2022-10-10. Review status: criteria provided, single submitter. Criteria: GeneDx Variant Classification Process June 2021. Collection method: clinical testing. Allele origin: germline. Affected: yes.
Comment: Not observed at significant frequency in large population cohorts (gnomAD); In silico analysis supports that this missense variant has a deleterious effect on protein structure/function; Has not been previously published as pathogenic or benign to our knowledge

NM_001190737.2(NFIB):c.201A>T (p.Glu67Asp)

Gene: NFIB (nuclear factor I B; minus strand). Cytogenetic location: 9p22.3.
Variant type: single nucleotide variant.
Coding change: c.201A>T on transcript NM_001190737.2 (MANE Select); coding-DNA position 201, A replaced by T.
Protein change: p.Glu67Asp; replaces glutamic acid 67 with aspartic acid.
Molecular consequence: missense variant.
Genome position (GRCh38, 1-based): chr9:14,307,350, T>A on the plus strand (A>T on the coding strand, the complement: NFIB is on the minus strand). VCF-style: chr9-14307350-T-A. GRCh37 (hg19) VCF-style: chr9-14307349-T-A.
Other names: c.279A>T, p.Glu93Asp (NM_001190738.2); c.267A>T, p.Glu89Asp (NM_001369458.1, NM_001369459.1, NM_001369462.1 and 1 more transcripts); c.189A>T, p.Glu63Asp (NM_001369460.1, NM_001369463.1, NM_001369466.1 and 4 more transcripts); c.201A>T, p.Glu67Asp (NM_001369461.1, NM_001369464.1, NM_001369471.1 and 4 more transcripts); c.174A>T, p.Glu58Asp (NM_001369465.1, NM_001369467.1, NM_001369476.1); c.57A>T, p.Glu19Asp (NM_001369469.1); c.186A>T, p.Glu62Asp (NM_001369474.1); short protein forms E19D, E58D, E62D, E63D, E67D, E89D, E93D.
Identifiers: ClinVar variation 2497948 (VCV002497948.1), dbSNP rs2060069576, ClinGen allele CA373090628.